The following is an entry in ClinVar:

ClinVar aggregate classification (germline): Uncertain significance. Review status: criteria provided, multiple submitters, no conflicts (2 of 4 stars). 2 submissions from 2 submitters: Uncertain significance (2). Last evaluated 2026-03-25.

Conditions:
Pulmonary hypertension, primary, 4. Identifiers: Orphanet 422, MedGen C3809198, MONDO:0014136, OMIM 615344.
Inborn genetic diseases. Identifiers: MedGen C0950123, MeSH D030342.

gnomAD v4.1: 3 of 1,603,500 alleles (0.00019%); highest among the groups gnomAD compares: Non-Finnish European, 0.00025%; no homozygotes.

Submissions (2):

Ambry Genetics
Classification: Uncertain significance for Inborn genetic diseases. Last evaluated: 2026-03-25. Review status: criteria provided, single submitter. Criteria: Ambry Variant Classification Scheme 2023. Collection method: clinical testing. Allele origin: germline.
Comment: The c.202C>A (p.R68S) alteration is located in exon 1 (coding exon 1) of the KCNK3 gene. This alteration results from a C to A substitution at nucleotide position 202, causing the arginine (R) at amino acid position 68 to be replaced by a serine (S). Based on data from gnomAD, the A allele has an overall frequency of <0.001% (1/226454) total alleles studied. The highest observed frequency was 0.001% (1/99774) of European (non-Finnish) alleles. Based on insufficient or conflicting evidence, the clinical significance of this alteration remains unclear.

Labcorp Genetics (formerly Invitae), Labcorp
Classification: Uncertain significance for Pulmonary hypertension, primary, 4. Last evaluated: 2022-11-08. Review status: criteria provided, single submitter. Criteria: Invitae Variant Classification Sherloc (09022015). Collection method: clinical testing. Allele origin: germline.
Comment: In summary, the available evidence is currently insufficient to determine the role of this variant in disease. Therefore, it has been classified as a Variant of Uncertain Significance. Advanced modeling of protein sequence and biophysical properties (such as structural, functional, and spatial information, amino acid conservation, physicochemical variation, residue mobility, and thermodynamic stability) performed at Invitae indicates that this missense variant is not expected to disrupt KCNK3 protein function. This variant has not been reported in the literature in individuals affected with KCNK3-related conditions. This variant is not present in population databases (gnomAD no frequency). This sequence change replaces arginine, which is basic and polar, with serine, which is neutral and polar, at codon 68 of the KCNK3 protein (p.Arg68Ser).

NM_002246.3(KCNK3):c.202C>A (p.Arg68Ser)

Gene: KCNK3 (potassium two pore domain channel subfamily K member 3; plus strand). Cytogenetic location: 2p23.3.
Variant type: single nucleotide variant.
Coding change: c.202C>A on transcript NM_002246.3 (MANE Select); coding-DNA position 202, C replaced by A.
Protein change: p.Arg68Ser; replaces arginine 68 with serine.
Molecular consequence: missense variant.
Genome position (GRCh38, 1-based): chr2:26,693,077, C>A. VCF-style: chr2-26693077-C-A. GRCh37 (hg19) VCF-style: chr2-26915945-C-A.
Other names: short protein forms R68S.
Identifiers: ClinVar variation 2916087 (VCV002916087.4), dbSNP rs1025063325, ClinGen allele CA346261241.
Genomic context (GRCh38, chr2:26,693,077, plus strand): 5'-CTGCGGGCGCGCTACAACCTCAGCCAGGGCGGCTACGAGGAGCTGGAGCGCGTCGTGCTG[C>A]GCCTCAAGCCGCACAAGGCCGGCGTGCAGTGGCGCTTCGCCGGCTCCTTCTACTTCGCCA-3'
Protein context (NP_002237.1, residues 58-78): GYEELERVVL[Arg68Ser]LKPHKAGVQW